The following is an entry in ClinVar:

ClinVar aggregate classification (germline): Likely benign (0 of 4 stars; one submission).

Conditions:
COL1A2-related disorder. Also called: COL1A2-Related Disorders; COL1A2-related condition.

Allele frequency attached by ClinVar (database versions not stated): gnomAD exomes below 0.00001; TOPMed below 0.00001; gnomAD 0.00001.
gnomAD v4.1: 5 of 1,313,916 alleles (0.00038%); highest among the groups gnomAD compares: African/African-American, 0.0015%; no homozygotes.

Submission:

PreventionGenetics, part of Exact Sciences
Classification: Likely benign for COL1A2-related condition. Last evaluated: 2023-06-29. Review status: no assertion criteria provided. Collection method: clinical testing. Allele origin: germline.
Comment: This variant is classified as likely benign based on ACMG/AMP sequence variant interpretation guidelines (Richards et al. 2015 PMID: 25741868, with internal and published modifications).

NM_000089.4(COL1A2):c.81+9A>G

Gene: COL1A2 (collagen type I alpha 2 chain; plus strand). Cytogenetic location: 7q21.3.
Variant type: single nucleotide variant.
Coding change: c.81+9A>G on transcript NM_000089.4 (MANE Select); 9 bases into the intron after coding-DNA position 81, A replaced by G.
Molecular consequence: intron variant.
Genome position (GRCh38, 1-based): chr7:94,397,767, A>G. VCF-style: chr7-94397767-A-G. GRCh37 (hg19) VCF-style: chr7-94027079-A-G.
Identifiers: ClinVar variation 3031081 (VCV003031081.2), dbSNP rs1396030428, ClinGen allele CA844030501.